The following is an entry in ClinVar:

ClinVar aggregate classification (germline): Conflicting classifications of pathogenicity. Review status: criteria provided, conflicting classifications (1 of 4 stars). 4 submissions from 4 submitters: Uncertain significance (1); Likely benign (3). Last evaluated 2025-05-07.

Conditions:
Cone-rod dystrophy 15 (CORD15). Identifiers: MedGen C3150912, MONDO:0013348, OMIM 613660.
CDHR1-related disorder. Also called: CDHR1-related condition.

Allele frequency attached by ClinVar (database versions not stated): gnomAD exomes 0.00003 and 0.00006; gnomAD 0.00006; ExAC 0.00008; TOPMed 0.00009; ESP Exome Variant Server 0.00015.

Submissions (4):

PreventionGenetics, part of Exact Sciences
Classification: Likely benign for CDHR1-related condition. Last evaluated: 2025-05-07. Review status: criteria provided, single submitter. Criteria: ACMG Guidelines, 2015. Collection method: clinical testing. Allele origin: germline.
Comment: This variant is classified as likely benign based on ACMG/AMP sequence variant interpretation guidelines (Richards et al. 2015 PMID: 25741868, with internal and published modifications).

Blueprint Genetics
Classification: Likely benign. Last evaluated: 2024-10-25. Review status: criteria provided, single submitter. Criteria: ACMG Guidelines, 2015. Collection method: clinical testing. Allele origin: germline.

Labcorp Genetics (formerly Invitae), Labcorp
Classification: Likely benign. Last evaluated: 2023-11-19. Review status: criteria provided, single submitter. Criteria: Invitae Variant Classification Sherloc (09022015). Collection method: clinical testing. Allele origin: germline.

Illumina Laboratory Services, Illumina
Classification: Uncertain significance for Cone-rod dystrophy 15. Last evaluated: 2018-01-13. Review status: criteria provided, single submitter. Criteria: ICSL Variant Classification Criteria 13 December 2019. Collection method: clinical testing. Allele origin: germline.

NM_033100.4(CDHR1):c.1854C>T (p.Asn618=)

Gene: CDHR1 (cadherin related family member 1; plus strand). Cytogenetic location: 10q23.1.
Variant type: single nucleotide variant.
Coding change: c.1854C>T on transcript NM_033100.4 (MANE Select); coding-DNA position 1854, C replaced by T.
Protein change: p.Asn618=; no amino-acid change (asparagine 618 retained).
Molecular consequence: synonymous variant.
Genome position (GRCh38, 1-based): chr10:84,213,162, C>T. VCF-style: chr10-84213162-C-T. GRCh37 (hg19) VCF-style: chr10-85972918-C-T.
Other names: c.1854C>T, p.Asn618= (NM_001171971.3).
Identifiers: ClinVar variation 301248 (VCV000301248.15), dbSNP rs373373894, ClinGen allele CA5580072.